The following is an entry in ClinVar:

NM_002206.3(ITGA7):c.2090_2094del (p.Asp697fs)

Genes: ITGA7 (integrin subunit alpha 7; minus strand), LOC126861535 (CDK7 strongly-dependent group 2 enhancer GRCh37_chr12:56087579-56088778; plus strand). Cytogenetic location: 12q13.2.
Variant type: Deletion.
Coding change: c.2090_2094del on transcript NM_002206.3 (MANE Select); coding-DNA positions 2090 to 2094, 5 bases deleted (ACCCA; older notation c.2090_2094delACCCA).
Protein change: p.Asp697fs; shifts the reading frame from aspartic acid 697.
Molecular consequence: frameshift variant. On other transcripts: intron variant (1).
Genome position (GRCh38, 1-based): chr12:55,694,880-55,694,884, TGGGT deleted on the plus strand (ACCCA on the coding strand, the reverse complement: ITGA7 is on the minus strand). VCF-style (leftmost placement, unchanged base first): chr12-55694879-CTGGGT-C. GRCh37 (hg19) VCF-style: chr12-56088663-CTGGGT-C.
Other names: c.2102_2106del, p.Asp701fs (NM_001144996.2); c.1811_1815del, p.Asp604fs (NM_001144997.2); c.1763_1767del, p.Asp588fs (NM_001367993.1); c.746_750del, p.Asp249fs (NM_001367994.1); c.2072_2076del, p.Asp691fs (NM_001374465.1); c.2222_2226del, p.Asp741fs (NM_001410977.1); c.2084_2088del, p.Asp695fs (NM_001414029.1); c.2015_2019del, p.Asp672fs (NM_001414030.1); and 5 more; short protein forms D249fs, D584fs, D588fs, D604fs, D636fs, D657fs, D668fs, D672fs.
Identifiers: ClinVar variation 4850188 (VCV004850188.1).

ClinVar aggregate classification (germline): Likely pathogenic (1 of 4 stars; one submission).

Conditions:
Congenital muscular dystrophy due to integrin alpha-7 deficiency. Also called: Congenital muscular dystrophy with integrin alpha-7 deficiency; Muscular dystrophy, congenital, due to ITGA7 deficiency; MYOPATHY, CONGENITAL, DUE TO INTEGRIN ALPHA-7 DEFICIENCY. Identifiers: Orphanet 34520, MedGen C2750786, MONDO:0013177, OMIM 613204.

Submission:

Variantyx, Inc.
Classification: Likely pathogenic for Congenital muscular dystrophy due to integrin alpha-7 deficiency. Last evaluated: 2025-06-13. Review status: criteria provided, single submitter. Criteria: Variantyx Assertion Criteria 2022. Collection method: clinical testing. Allele origin: germline. Inheritance: Autosomal recessive inheritance. Affected: no.
Comment: This is a frameshift variant in the ITGA7 gene (OMIM: 600536). Pathogenic variants in this gene have been associated with autosomal recessive congenital muscular dystrophy due to ITGA7 deficiency. This variant introduces a premature termination codon in exon 15 out of 25 and is expected to result in loss of function, which is a known disease mechanism for ITGA7 in this disorder (PMID: 9590299) (PVS1). This variant is absent from control populations (PM2). Based on the current evidence, this variant is classified as likely pathogenic for autosomal recessive congenital muscular dystrophy due to ITGA7 deficiency.

Literature cited by the submitters: PubMed 9590299.